The following is an entry in ClinVar:

NM_000179.3(MSH6):c.703A>G (p.Thr235Ala)

Gene: MSH6 (mutS homolog 6; plus strand). Cytogenetic location: 2p16.3.
Variant type: single nucleotide variant.
Coding change: c.703A>G on transcript NM_000179.3 (MANE Select); coding-DNA position 703, A replaced by G.
Protein change: p.Thr235Ala; replaces threonine 235 with alanine.
Molecular consequence: missense variant. On other transcripts: 5 prime UTR variant (2).
Genome position (GRCh38, 1-based): chr2:47,798,686, A>G. VCF-style: chr2-47798686-A-G. GRCh37 (hg19) VCF-style: chr2-48025825-A-G.
Other names: c.313A>G, p.Thr105Ala (NM_001281492.2); c.-204A>G (NM_001281493.2, NM_001281494.2); short protein forms T235A, T105A.
Identifiers: ClinVar variation 856855 (VCV000856855.10), dbSNP rs1669246481, ClinGen allele CA346739975.

ClinVar aggregate classification (germline): Uncertain significance (1 of 4 stars; one submission).

Conditions:
Hereditary nonpolyposis colorectal neoplasms. Identifiers: MedGen C0009405, MeSH D003123.

Submission:

Labcorp Genetics (formerly Invitae), Labcorp
Classification: Uncertain significance for Hereditary nonpolyposis colorectal neoplasms. Last evaluated: 2025-05-05. Review status: criteria provided, single submitter. Criteria: Invitae Variant Classification Sherloc (09022015). Collection method: clinical testing. Allele origin: germline.
Comment: This sequence change replaces threonine, which is neutral and polar, with alanine, which is neutral and non-polar, at codon 235 of the MSH6 protein (p.Thr235Ala). This variant is not present in population databases (gnomAD no frequency). This variant has not been reported in the literature in individuals affected with MSH6-related conditions. ClinVar contains an entry for this variant (Variation ID: 856855). Invitae Evidence Modeling of protein sequence and biophysical properties (such as structural, functional, and spatial information, amino acid conservation, physicochemical variation, residue mobility, and thermodynamic stability) indicates that this missense variant is not expected to disrupt MSH6 protein function with a negative predictive value of 95%. In summary, the available evidence is currently insufficient to determine the role of this variant in disease. Therefore, it has been classified as a Variant of Uncertain Significance.